The following is an entry in ClinVar:

ClinVar aggregate classification (germline): Likely benign. Review status: criteria provided, multiple submitters, no conflicts (2 of 4 stars). 5 submissions from 5 submitters: Likely benign (5). Last evaluated 2023-12-06.

Conditions:
Cardiomyopathy (CMYO). Also called: Cardiomyopathies. Identifiers: Orphanet 167848, MedGen C0878544, MONDO:0004994, HP:0001638. Inheritance: Various modes of inheritance.
Cardiovascular phenotype. Identifiers: MedGen CN230736.
Catecholaminergic polymorphic ventricular tachycardia 1. Also called: VENTRICULAR TACHYCARDIA, CATECHOLAMINERGIC POLYMORPHIC, 1, WITH OR WITHOUT ATRIAL DYSFUNCTION AND/OR DILATED CARDIOMYOPATHY; RYR2-Related Catecholaminergic Polymorphic Ventricular Tachycardia; VENTRICULAR TACHYCARDIA, STRESS-INDUCED POLYMORPHIC 1. Identifiers: Orphanet 3286, MedGen C1631597, MONDO:0011484, OMIM 604772.
Catecholaminergic polymorphic ventricular tachycardia (CVPT). Also called: Catecholamine-induced polymorphic ventricular tachycardia. Identifiers: Orphanet 3286, MedGen C5574922, MONDO:0017990.

gnomAD v4.1: 1 of 1,597,374 alleles (0.000063%); highest among the groups gnomAD compares: Non-Finnish European, 0.000085%; no homozygotes.

Submissions (5):

Labcorp Genetics (formerly Invitae), Labcorp
Classification: Likely benign for Catecholaminergic polymorphic ventricular tachycardia 1. Last evaluated: 2023-12-06. Review status: criteria provided, single submitter. Criteria: Invitae Variant Classification Sherloc (09022015). Collection method: clinical testing. Allele origin: germline.

All of Us Research Program, National Institutes of Health
Classification: Likely benign for Catecholaminergic polymorphic ventricular tachycardia. Last evaluated: 2023-11-30. Review status: criteria provided, single submitter. Criteria: ACMG Guidelines, 2015. Collection method: clinical testing. Allele origin: germline. Inheritance: Autosomal dominant inheritance. Observed: 2 variant alleles, 2 heterozygotes.
Comment: This study involves interpretation of variants in research participants for the purpose of population health screening. Participant phenotype was not available at the time of variant classification. Additional details can be found in publication PMID: 35346344, PMCID: PMC8962531

Ambry Genetics
Classification: Likely benign for Cardiovascular phenotype. Last evaluated: 2022-11-27. Review status: criteria provided, single submitter. Criteria: Ambry Variant Classification Scheme 2023. Collection method: clinical testing. Allele origin: germline.

Color Diagnostics, LLC DBA Color Health
Classification: Likely benign for Cardiomyopathy. Last evaluated: 2018-12-04. Review status: criteria provided, single submitter. Criteria: ACMG Guidelines, 2015. Collection method: clinical testing. Allele origin: germline.

GeneDx
Classification: Likely benign. Last evaluated: 2017-12-18. Review status: criteria provided, single submitter. Criteria: GeneDx Variant Classification (06012015). Collection method: clinical testing. Allele origin: germline. Affected: yes.
Comment: This variant is considered likely benign or benign based on one or more of the following criteria: it is a conservative change, it occurs at a poorly conserved position in the protein, it is predicted to be benign by multiple in silico algorithms, and/or has population frequency not consistent with disease.

NM_001035.3(RYR2):c.2901C>G (p.Pro967=)

Gene: RYR2 (ryanodine receptor 2; plus strand). Cytogenetic location: 1q43.
Variant type: single nucleotide variant.
Coding change: c.2901C>G on transcript NM_001035.3 (MANE Select); coding-DNA position 2901, C replaced by G.
Protein change: p.Pro967=; no amino-acid change (proline 967 retained).
Molecular consequence: synonymous variant.
Genome position (GRCh38, 1-based): chr1:237,530,505, C>G. VCF-style: chr1-237530505-C-G. GRCh37 (hg19) VCF-style: chr1-237693805-C-G.
Other names: c.2901C>G, p.Pro967= (LRG_402t1).
Identifiers: ClinVar variation 514139 (VCV000514139.16), dbSNP rs747234013, ClinGen allele CA423817699.